The following is an entry in ClinVar:

ClinVar aggregate classification (germline): Uncertain significance. Review status: criteria provided, multiple submitters, no conflicts (2 of 4 stars). 5 submissions from 5 submitters: Uncertain significance (4). 1 of the submissions does not count toward it. Last evaluated 2026-09-08.

Conditions:
Cardiovascular phenotype. Identifiers: MedGen CN230736.
Fabry disease. Also called: GLA DEFICIENCY; HEREDITARY DYSTOPIC LIPIDOSIS; Fabry's disease; Angiokeratoma corporis diffusum; ALPHA-GALACTOSIDASE A DEFICIENCY; ANDERSON-FABRY DISEASE. Identifiers: Orphanet 324, MedGen C0002986, MONDO:0010526, OMIM 301500, HP:0001071. Disease mechanism: loss of function, Fabry disease is due to inactivating mutations in the X-linked GLA gene resulting in deficiency of the enzyme Alpha Galactosidase-A..

Allele frequency attached by ClinVar (database versions not stated): gnomAD exomes below 0.00001 and 0.00001; ExAC 0.00001; gnomAD 0.00001; TOPMed 0.00002.
gnomAD v4.1: 2 of 1,211,778 alleles (0.00017%); highest among the groups gnomAD compares: African/African-American, 0.0034%; no homozygotes.

Submissions (5):

Genomenon, Inc
Classification: Uncertain significance for Fabry disease. Last evaluated: 2026-09-08. Review status: criteria provided, single submitter. Criteria: Genomenon Sequence Variant Interpretation Standards - Updated. Collection method: curation. Allele origin: germline. Affected: no.
Comment: GLA p.Arg105Gly (c.313A>G) is a missense variant that changes the amino acid at codon 105 from Arginine to Glycine. This variant has been reported in the published literature (PMID:32802993). It is absent or not present at a significant frequency in gnomAD. In conclusion, we classify GLA p.Arg105Gly (c.313A>G) as a variant of uncertain significance.

Labcorp Genetics (formerly Invitae), Labcorp
Classification: Uncertain significance for Fabry disease. Last evaluated: 2025-03-09. Review status: criteria provided, single submitter. Criteria: Invitae Variant Classification Sherloc (09022015). Collection method: clinical testing. Allele origin: germline.
Comment: This sequence change replaces arginine, which is basic and polar, with glycine, which is neutral and non-polar, at codon 105 of the GLA protein (p.Arg105Gly). This variant is present in population databases (rs782092398, gnomAD 0.008%). This variant has not been reported in the literature in individuals affected with GLA-related conditions. ClinVar contains an entry for this variant (Variation ID: 854523). Invitae Evidence Modeling of protein sequence and biophysical properties (such as structural, functional, and spatial information, amino acid conservation, physicochemical variation, residue mobility, and thermodynamic stability) has been performed for this missense variant. However, the output from this modeling did not meet the statistical confidence thresholds required to predict the impact of this variant on GLA protein function. In summary, the available evidence is currently insufficient to determine the role of this variant in disease. Therefore, it has been classified as a Variant of Uncertain Significance.

All of Us Research Program, National Institutes of Health
Classification: Uncertain significance for Fabry disease. Last evaluated: 2023-11-30. Review status: criteria provided, single submitter. Criteria: ACMG Guidelines, 2015. Collection method: clinical testing. Allele origin: germline. Inheritance: X-linked inheritance. Observed: 1 variant allele, 1 heterozygote.
Comment: This study involves interpretation of variants in research participants for the purpose of population health screening. Participant phenotype was not available at the time of variant classification. Additional details can be found in publication PMID: 35346344, PMCID: PMC8962531

Ambry Genetics
Classification: Uncertain significance for Cardiovascular phenotype. Last evaluated: 2023-02-16. Review status: criteria provided, single submitter. Criteria: Ambry Variant Classification Scheme 2023. Collection method: clinical testing. Allele origin: germline.
Comment: The p.R105G variant (also known as c.313A>G), located in coding exon 2 of the GLA gene, results from an A to G substitution at nucleotide position 313. The arginine at codon 105 is replaced by glycine, an amino acid with dissimilar properties. This alteration has been reported in individuals with symptoms consistent with Fabry disease (Ambry internal data), as well as in a newborn screening cohort with enzymatic deficiency noted (Sanders KA et al. Int J Neonatal Screen, 2020 Jun;6:). Based on internal structural analysis, this alteration was potentially disruptive to the structure of the GLA protein (Ambry internal data). Based on data from gnomAD, the G allele has an overall frequency of 0.0005450% (1/183486) total alleles studied, with 0 hemizygote(s) observed. The highest observed frequency was 0.007598% (1/13161) of African alleles. This amino acid position is not well conserved in available vertebrate species. In addition, this alteration is predicted to be deleterious by in silico analysis. Since supporting evidence is limited at this time, the clinical significance of this alteration remains unclear.

Natera, Inc.
Classification: Uncertain significance for Fabry disease. Last evaluated: 2021-09-03. Review status: no assertion criteria provided. Collection method: clinical testing. Allele origin: germline. Not counted in ClinVar's aggregate classification.

Literature cited by the submitters: PubMed 32802993 (cited by Genomenon, Inc and Ambry Genetics).

NM_000169.3(GLA):c.313A>G (p.Arg105Gly)

Genes: GLA (galactosidase alpha; minus strand), RPL36A-HNRNPH2 (RPL36A-HNRNPH2 readthrough; plus strand). Cytogenetic location: Xq22.1.
Variant type: single nucleotide variant.
Coding change: c.313A>G on transcript NM_000169.3 (MANE Select); coding-DNA position 313, A replaced by G.
Protein change: p.Arg105Gly; replaces arginine 105 with glycine.
Molecular consequence: missense variant. On other transcripts: non-coding transcript variant (3), intron variant (2).
Genome position (GRCh38, 1-based): chrX:101,403,867, T>C on the plus strand (A>G on the coding strand, the complement: GLA is on the minus strand). VCF-style: chrX-101403867-T-C. GRCh37 (hg19) VCF-style: chrX-100658855-T-C.
Other names: c.436A>G, p.Arg146Gly (NM_001406747.1, NM_001406749.1); c.313A>G, p.Arg105Gly (NM_001406748.1); c.301-8069T>C (NM_001199973.2); c.178-8069T>C (NM_001199974.2); short protein forms R105G, R146G.
Identifiers: ClinVar variation 854523 (VCV000854523.20), dbSNP rs782092398, ClinGen allele CA030465.
Genomic context (GRCh38, chrX:101,403,867, plus strand): 5'-TCACATAATTAGCTAGCTGGCGAATCCCATGAGGAAAGCGCTGAGGGTCTGCCTGAAGTC[T>C]GCCTTCTGAATCTCTTTGGGGAGCCATCCAACAGTCATCAATGCAGAGGTACTCATAACC-3'
Protein context (NP_000160.1, residues 95-115): WMAPQRDSEG[Arg105Gly]LQADPQRFPH